The following is an entry in ClinVar:

NM_006505.5(PVR):c.952C>T (p.Leu318=)

Gene: PVR (PVR cell adhesion molecule; plus strand). Cytogenetic location: 19q13.31.
Variant type: single nucleotide variant.
Coding change: c.952C>T on transcript NM_006505.5 (MANE Select); coding-DNA position 952, C replaced by T.
Protein change: p.Leu318=; no amino-acid change (leucine 318 retained).
Molecular consequence: synonymous variant.
Genome position (GRCh38, 1-based): chr19:44,657,871, C>T. VCF-style: chr19-44657871-C-T. GRCh37 (hg19) VCF-style: chr19-45161139-C-T.
Other names: c.952C>T, p.Leu318= (NM_001135768.3, NM_001135769.3, NM_001135770.4).
Identifiers: ClinVar variation 3056118 (VCV003056118.2), dbSNP rs203708, ClinGen allele CA9502398.

ClinVar aggregate classification (germline): Benign (0 of 4 stars; one submission).

Conditions:
PVR-related disorder. Also called: PVR-related condition.

Allele frequency attached by ClinVar (database versions not stated): ESP Exome Variant Server 0.02130; 1000 Genomes Project 0.02676; 1000 Genomes Project 30x 0.02858.
gnomAD v4.1: 5,320 of 1,613,916 alleles (0.33%); highest among the groups gnomAD compares: African/African-American, 6.2%; 172 homozygotes.

Submission:

PreventionGenetics, part of Exact Sciences
Classification: Benign for PVR-related condition. Last evaluated: 2019-11-14. Review status: no assertion criteria provided. Collection method: clinical testing. Allele origin: germline.
Comment: This variant is classified as benign based on ACMG/AMP sequence variant interpretation guidelines (Richards et al. 2015 PMID: 25741868, with internal and published modifications).